The following is an entry in ClinVar:

ClinVar aggregate classification (germline): Uncertain significance (1 of 4 stars; one submission).

Conditions:
Proteosome-associated autoinflammatory syndrome. Also called: Proteasome-associated autoinflammatory syndrome. Identifiers: Orphanet 324977, MedGen C1850568, MONDO:0009726.

gnomAD v4.1: 1 of 1,612,794 alleles (0.000062%); highest among the groups gnomAD compares: Non-Finnish European, 0.000085%; no homozygotes.

Submission:

Labcorp Genetics (formerly Invitae), Labcorp
Classification: Uncertain significance for Proteosome-associated autoinflammatory syndrome. Last evaluated: 2022-11-23. Review status: criteria provided, single submitter. Criteria: Invitae Variant Classification Sherloc (09022015). Collection method: clinical testing. Allele origin: germline.
Comment: In summary, the available evidence is currently insufficient to determine the role of this variant in disease. Therefore, it has been classified as a Variant of Uncertain Significance. Algorithms developed to predict the effect of missense changes on protein structure and function (SIFT, PolyPhen-2, Align-GVGD) all suggest that this variant is likely to be disruptive. This variant has not been reported in the literature in individuals affected with PSMB8-related conditions. This variant is present in population databases (no rsID available, gnomAD 0.0009%). This sequence change replaces proline, which is neutral and non-polar, with arginine, which is basic and polar, at codon 45 of the PSMB8 protein (p.Pro45Arg).

NM_148919.4(PSMB8):c.134C>G (p.Pro45Arg)

Gene: PSMB8 (proteasome 20S subunit beta 8; minus strand). Cytogenetic location: 6p21.32.
Variant type: single nucleotide variant.
Coding change: c.134C>G on transcript NM_148919.4 (MANE Select); coding-DNA position 134, C replaced by G.
Protein change: p.Pro45Arg; replaces proline 45 with arginine.
Molecular consequence: missense variant. On other transcripts: intron variant (1).
Genome position (GRCh38, 1-based): chr6:32,843,863, G>C on the plus strand (C>G on the coding strand, the complement: PSMB8 is on the minus strand). VCF-style: chr6-32843863-G-C. GRCh37 (hg19) VCF-style: chr6-32811640-G-C.
Other names: c.135+416C>G (NM_004159.5); short protein forms P45R.
Identifiers: ClinVar variation 2014006 (VCV002014006.4), dbSNP rs777828717, ClinGen allele CA363589658.